The following is an entry in ClinVar:

ClinVar aggregate classification (germline): Likely pathogenic (1 of 4 stars; one submission).

Conditions:
Hemochromatosis type 3 (HFE3). Also called: HEMOCHROMATOSIS DUE TO DEFECT IN TRANSFERRIN RECEPTOR 2; Hereditary hemochromatosis type 3; TFR2-Related Hemochromatosis. Identifiers: Orphanet 225123, MedGen C1858664, MONDO:0011417, OMIM 604250.

Submission:

Natera, Inc.
Classification: Likely pathogenic for Hereditary hemochromatosis type 3. Last evaluated: 2025-07-10. Review status: criteria provided, single submitter. Criteria: Natera Variant Classification Schema (03/2026). Collection method: clinical testing. Allele origin: germline.
Comment: The c.279_286+2delinsG variant in TFR2 is a canonical splice donor site variant predicted to affect pre-mRNA splicing, which may result in an abnormal transcript and altered protein product. This variant is expected to result in nonsense mediated decay, truncation, or a dysfunctional protein product. This variant is rare in the general population with a frequency below the threshold expected for the associated phenotype(s). Given the available evidence, this variant is classified as Likely Pathogenic.

NM_003227.4(TFR2):c.279_286+2delinsG

Gene: TFR2 (transferrin receptor 2; minus strand). Cytogenetic location: 7q22.1.
Variant type: Indel.
Coding change: c.279_286+2delinsG on transcript NM_003227.4 (MANE Select); coding-DNA position 279 through the canonical splice donor site of the intron after coding-DNA position 286, CACTGGGGGT replaced by G.
Molecular consequence: splice donor variant.
Genome position (GRCh38, 1-based): chr7:100,640,974-100,640,983, ACCCCCAGTG replaced by C on the plus strand (CACTGGGGGT replaced by G on the coding strand, the reverse complement: TFR2 is on the minus strand). VCF-style: chr7-100640974-ACCCCCAGTG-C. GRCh37 (hg19) VCF-style: chr7-100238597-ACCCCCAGTG-C.
Identifiers: ClinVar variation 4815106 (VCV004815106.1).
Genomic context (GRCh38, chr7:100,640,974, plus strand): 5'-TGGACCCCAGAAATCTCCCCCAGCCCAAGCCCTTCACTTCTGGGGAGGGGGACGGCTCTC[ACCCCCAGTG>C]AAGATCAGCAGGGCCGTCAGGACCAGGTAGGGGGCAGCCCTCCGTCCTGCTGCCGCCCAG-3'